The following is an entry in ClinVar:

ClinVar aggregate classification (germline): Uncertain significance. Review status: criteria provided, multiple submitters, no conflicts (2 of 4 stars). 3 submissions from 3 submitters: Uncertain significance (3). Last evaluated 2025-12-30.

Conditions:
Progressive sclerosing poliodystrophy (MTDPS4A). Also called: ALPERS PROGRESSIVE INFANTILE POLIODYSTROPHY; Mitochondrial DNA depletion syndrome 4A (Alpers type); ALPERS DIFFUSE DEGENERATION OF CEREBRAL GRAY MATTER WITH HEPATIC CIRRHOSIS; Alpers-Huttenlocher Syndrome; Alpers-Huttenlocher Syndrome (AHS); Alpers Syndrome. Identifiers: Orphanet 726, MedGen C0205710, MONDO:0008758, OMIM 203700.
Inborn genetic diseases. Identifiers: MedGen C0950123, MeSH D030342.

Allele frequency attached by ClinVar (database versions not stated): gnomAD 0.00001; gnomAD exomes 0.00001; TOPMed 0.00001.

Submissions (3):

Ambry Genetics
Classification: Uncertain significance for Inborn genetic diseases. Last evaluated: 2025-12-30. Review status: criteria provided, single submitter. Criteria: Ambry Variant Classification Scheme 2023. Collection method: clinical testing. Allele origin: germline.

Labcorp Genetics (formerly Invitae), Labcorp
Classification: Uncertain significance for Progressive sclerosing poliodystrophy. Last evaluated: 2024-10-15. Review status: criteria provided, single submitter. Criteria: Invitae Variant Classification Sherloc (09022015). Collection method: clinical testing. Allele origin: germline.
Comment: This sequence change replaces asparagine, which is neutral and polar, with serine, which is neutral and polar, at codon 270 of the POLG protein (p.Asn270Ser). This variant is present in population databases (no rsID available, gnomAD 0.003%). This variant has not been reported in the literature in individuals affected with POLG-related conditions. ClinVar contains an entry for this variant (Variation ID: 969072). Invitae Evidence Modeling of protein sequence and biophysical properties (such as structural, functional, and spatial information, amino acid conservation, physicochemical variation, residue mobility, and thermodynamic stability) indicates that this missense variant is expected to disrupt POLG protein function with a positive predictive value of 95%. In summary, the available evidence is currently insufficient to determine the role of this variant in disease. Therefore, it has been classified as a Variant of Uncertain Significance.

Revvity Omics, Revvity
Classification: Uncertain significance. Last evaluated: 2019-01-02. Review status: criteria provided, single submitter. Criteria: ACMG Guidelines, 2015. Collection method: clinical testing. Allele origin: germline.

NM_002693.3(POLG):c.809A>G (p.Asn270Ser)

Gene: POLG (DNA polymerase gamma, catalytic subunit; minus strand). Cytogenetic location: 15q26.1.
Variant type: single nucleotide variant.
Coding change: c.809A>G on transcript NM_002693.3 (MANE Select); coding-DNA position 809, A replaced by G.
Protein change: p.Asn270Ser; replaces asparagine 270 with serine.
Molecular consequence: missense variant.
Genome position (GRCh38, 1-based): chr15:89,330,127, T>C on the plus strand (A>G on the coding strand, the complement: POLG is on the minus strand). VCF-style: chr15-89330127-T-C. GRCh37 (hg19) VCF-style: chr15-89873358-T-C.
Other names: c.809A>G, p.Asn270Ser (NM_001126131.2); short protein forms N270S.
Identifiers: ClinVar variation 969072 (VCV000969072.14), dbSNP rs1363908609, ClinGen allele CA393766739.